The following is an entry in ClinVar:

ClinVar aggregate classification (germline): Uncertain significance (1 of 4 stars; one submission).

gnomAD v4.1: 2 of 1,613,672 alleles (0.00012%); highest among the groups gnomAD compares: Non-Finnish European, 0.000085%; no homozygotes.

Submission:

GeneDx
Classification: Uncertain significance. Last evaluated: 2024-01-25. Review status: criteria provided, single submitter. Criteria: GeneDx Variant Classification Process June 2021. Collection method: clinical testing. Allele origin: germline. Affected: yes.
Comment: Not observed at significant frequency in large population cohorts (gnomAD); In silico analysis supports that this missense variant has a deleterious effect on protein structure/function; Has not been previously published as pathogenic or benign to our knowledge

NM_000275.3(OCA2):c.707T>C (p.Leu236Pro)

Gene: OCA2 (OCA2 melanosomal transmembrane protein; minus strand). Cytogenetic location: 15q13.1.
Variant type: single nucleotide variant.
Coding change: c.707T>C on transcript NM_000275.3 (MANE Select); coding-DNA position 707, T replaced by C.
Protein change: p.Leu236Pro; replaces leucine 236 with proline.
Molecular consequence: missense variant.
Genome position (GRCh38, 1-based): chr15:28,018,497, A>G on the plus strand (T>C on the coding strand, the complement: OCA2 is on the minus strand). VCF-style: chr15-28018497-A-G. GRCh37 (hg19) VCF-style: chr15-28263643-A-G.
Other names: c.707T>C, p.Leu236Pro (NM_001300984.2); short protein forms L236P.
Identifiers: ClinVar variation 3368049 (VCV003368049.1).
Genomic context (GRCh38, chr15:28,018,497, plus strand): 5'-TGGGTCAGCTCCACCACGATGTGCTCTTCCCTCCCAGGACGACTCGGCCCACTGGCCACT[A>G]GGGCCCCTGCCAGGTCCACCTGCAGCAGCGTGGAGTCCACGTGGCTGCTAAGGTTCACGG-3'
Protein context (NP_000266.2, residues 226-246): TLLQVDLAGA[Leu236Pro]VASGPSRPGR